The following is an entry in ClinVar:

NM_015488.5(PNKD):c.428C>G (p.Ala143Gly)

Genes: PNKD (PNKD metallo-beta-lactamase domain containing; plus strand), CATIP-AS2 (CATIP antisense RNA 2; minus strand). Cytogenetic location: 2q35.
Variant type: single nucleotide variant.
Coding change: c.428C>G on transcript NM_015488.5 (MANE Select); coding-DNA position 428, C replaced by G.
Protein change: p.Ala143Gly; replaces alanine 143 with glycine.
Molecular consequence: missense variant.
Genome position (GRCh38, 1-based): chr2:218,340,104, C>G. VCF-style: chr2-218340104-C-G. GRCh37 (hg19) VCF-style: chr2-219204827-C-G.
Other names: c.356C>G, p.Ala119Gly (NM_022572.5); short protein forms A143G, A119G.
Identifiers: ClinVar variation 2724736 (VCV002724736.3), dbSNP rs1694628440, ClinGen allele CA350538724.

ClinVar aggregate classification (germline): Uncertain significance (1 of 4 stars; one submission).

Conditions:
Paroxysmal nonkinesigenic dyskinesia. Also called: Paroxysmal non-kinesigenic dyskinesia. Identifiers: Orphanet 98810, MedGen C1869117, MONDO:0700088.

Allele frequency attached by ClinVar (database versions not stated): gnomAD exomes below 0.00001.
gnomAD v4.1: 3 of 1,613,686 alleles (0.00019%); highest among the groups gnomAD compares: African/African-American, 0.0013%; no homozygotes.

Submission:

Labcorp Genetics (formerly Invitae), Labcorp
Classification: Uncertain significance for Paroxysmal nonkinesigenic dyskinesia. Last evaluated: 2024-04-29. Review status: criteria provided, single submitter. Criteria: Invitae Variant Classification Sherloc (09022015). Collection method: clinical testing. Allele origin: germline.
Comment: This sequence change replaces alanine, which is neutral and non-polar, with glycine, which is neutral and non-polar, at codon 143 of the PNKD protein (p.Ala143Gly). This variant is not present in population databases (gnomAD no frequency). This variant has not been reported in the literature in individuals affected with PNKD-related conditions. Advanced modeling of protein sequence and biophysical properties (such as structural, functional, and spatial information, amino acid conservation, physicochemical variation, residue mobility, and thermodynamic stability) performed at Invitae indicates that this missense variant is not expected to disrupt PNKD protein function with a negative predictive value of 80%. In summary, the available evidence is currently insufficient to determine the role of this variant in disease. Therefore, it has been classified as a Variant of Uncertain Significance.